The following is an entry in ClinVar:

NM_001377.3(DYNC2H1):c.8617A>G (p.Met2873Val)

Gene: DYNC2H1 (dynein cytoplasmic 2 heavy chain 1; plus strand). Cytogenetic location: 11q22.3.
Variant type: single nucleotide variant.
Coding change: c.8617A>G on transcript NM_001377.3 (MANE Select); coding-DNA position 8617, A replaced by G.
Protein change: p.Met2873Val; replaces methionine 2873 with valine.
Molecular consequence: missense variant.
Genome position (GRCh38, 1-based): chr11:103,211,866, A>G. VCF-style: chr11-103211866-A-G. GRCh37 (hg19) VCF-style: chr11-103082595-A-G.
Other names: c.8617A>G, p.Met2873Val (NM_001080463.2); short protein forms M2873V.
Identifiers: ClinVar variation 3769259 (VCV003769259.2).

ClinVar aggregate classification (germline): Uncertain significance (1 of 4 stars; one submission).

gnomAD v4.1: 3 of 1,531,022 alleles (0.0002%); highest among the groups gnomAD compares: Non-Finnish European, 0.00018%; no homozygotes.

Submission:

Women's Health and Genetics/Laboratory Corporation of America, LabCorp
Classification: Uncertain significance. Last evaluated: 2025-01-06. Review status: criteria provided, single submitter. Criteria: LabCorp Variant Classification Summary - May 2015. Collection method: clinical testing. Allele origin: germline.
Comment: Variant summary: DYNC2H1 c.8617A>G (p.Met2873Val) results in a conservative amino acid change in the encoded protein sequence. Four of five in-silico tools predict a benign effect of the variant on protein function. The frequency data for this variant in gnomAD is considered unreliable, as metrics indicate poor data quality at this position. c.8617A>G has been reported in the literature in individuals affected with Short-rib thoracic dysplasia (e.g. Baujat_2013, Fang_2023). These data indicate that the variant may be associated with disease. To our knowledge, no experimental evidence demonstrating an impact on protein function has been reported. The following publications have been ascertained in the context of this evaluation (PMID: 23339108, 37007936). No submitters have cited clinical-significance assessments for this variant to ClinVar. Based on the evidence outlined above, the variant was classified as VUS-possibly pathogenic.

Literature cited by the submitters: PubMed 23339108; PubMed 37007936.